The following is an entry in ClinVar:

NC_000008.10:g.(?_11560787)_(11616004_?)dup

Genes: GATA4 (GATA binding protein 4), SNORA99 (small nucleolar RNA, H/ACA box 99), LOC110120689 (VISTA enhancer hs508), LOC110121280 (VISTA enhancer hs2204), LOC110121281 (VISTA enhancer hs2205) and 3 more. Cytogenetic location: 8p23.1.
Variant type: Duplication.
Identifiers: ClinVar variation 472766 (VCV000472766.1).

ClinVar aggregate classification (germline): Uncertain significance (1 of 4 stars; one submission).

Conditions:
Atrioventricular septal defect 4 (AVSD4). Identifiers: MedGen C3280781, MONDO:0013747, OMIM 614430.

Submission:

Labcorp Genetics (formerly Invitae), Labcorp
Classification: Uncertain significance for Atrioventricular septal defect 4. Last evaluated: 2017-05-23. Review status: criteria provided, single submitter. Criteria: Invitae Variant Classification Sherloc (09022015). Collection method: clinical testing. Allele origin: germline.
Comment: A gross duplication of the genomic region encompassing the full coding sequence of the GATA4 gene has been identified. The boundaries of this event are unknown as the duplication extends beyond the assayed region for this gene and therefore may encompass additional genes. As the precise location of this duplication is unknown, it may be in tandem or it may be located elsewhere in the genome. Gross duplications confined to the GATA4 gene have not been reported previously in the literature. The exact genomic location of this variant is unknown. In summary, this duplication has uncertain impact on GATA4 function. The available evidence is currently insufficient to determine its role in disease. Therefore, it has been classified as a Variant of Uncertain Significance.